The following is an entry in ClinVar:

NM_000548.5(TSC2):c.4707C>T (p.Tyr1569=)

Gene: TSC2 (TSC complex subunit 2; plus strand). Cytogenetic location: 16p13.3.
Variant type: single nucleotide variant.
Coding change: c.4707C>T on transcript NM_000548.5 (MANE Select); coding-DNA position 4707, C replaced by T.
Protein change: p.Tyr1569=; no amino-acid change (tyrosine 1569 retained).
Molecular consequence: synonymous variant.
Genome position (GRCh38, 1-based): chr16:2,086,237, C>T. VCF-style: chr16-2086237-C-T. GRCh37 (hg19) VCF-style: chr16-2136238-C-T.
Other names: c.4506C>T, p.Tyr1502= (NM_001077183.3); c.4638C>T, p.Tyr1546= (NM_001114382.3); c.4398C>T, p.Tyr1466= (NM_001318827.2); c.4362C>T, p.Tyr1454= (NM_001318829.2); c.3975C>T, p.Tyr1325= (NM_001318831.2); c.4539C>T, p.Tyr1513= (NM_001318832.2); c.4509C>T, p.Tyr1503= (NM_001363528.2); c.4575C>T, p.Tyr1525= (NM_001370404.1); and 1 more.
Identifiers: ClinVar variation 701272 (VCV000701272.44), dbSNP rs397515277, ClinGen allele CA052328.
Genomic context (GRCh38, chr16:2,086,237, plus strand): 5'-TCCCCTCTCCCCACAGAGCAACAGCGAGCTCGCCATCCTGTCCAATGAGCATGGCTCCTA[C>T]AGGTACACGGAGTTCCTGACGGGCCTGGGCCGGCTCATCGAGCTGAAGGACTGCCAGCCG-3'
Protein context (NP_000539.2, residues 1559-1579): LAILSNEHGS[Tyr1569=]RYTEFLTGLG

ClinVar aggregate classification (germline): Benign/Likely benign. Review status: criteria provided, multiple submitters, no conflicts (2 of 4 stars). 8 submissions from 8 submitters: Benign (2); Likely benign (6). Last evaluated 2025-12-17.

Conditions:
Tuberous sclerosis 2 (TSC2). Identifiers: Orphanet 805, MedGen C1860707, MONDO:0013199, OMIM 613254.
Hereditary cancer-predisposing syndrome. Also called: Neoplastic Syndromes, Hereditary; Tumor predisposition; Hereditary neoplastic syndrome; Hereditary Cancer Syndrome. Identifiers: Orphanet 140162, MedGen C0027672, MeSH D009386, MONDO:0015356.
Tuberous sclerosis syndrome (TSC). Also called: Tuberous Sclerosis Complex; Tuberous sclerosis. Identifiers: Orphanet 805, MedGen C0041341, MONDO:0001734.

Allele frequency attached by ClinVar (database versions not stated): gnomAD 0.00001; gnomAD exomes 0.00001; TOPMed 0.00001; ExAC 0.00002.
gnomAD v4.1: 8 of 1,612,644 alleles (0.0005%); highest among the groups gnomAD compares: Admixed American, 0.0033%; no homozygotes.

Submissions (8):

Labcorp Genetics (formerly Invitae), Labcorp
Classification: Likely benign for Tuberous sclerosis 2. Last evaluated: 2025-12-17. Review status: criteria provided, single submitter. Criteria: Invitae Variant Classification Sherloc (09022015). Collection method: clinical testing. Allele origin: germline.

Myriad Genetics, Inc.
Classification: Benign for Tuberous sclerosis 2. Last evaluated: 2025-06-04. Review status: criteria provided, single submitter. Criteria: Myriad Autosomal Dominant, Autosomal Recessive and X-Linked Classification Criteria (2023). Collection method: clinical testing. Allele origin: unknown.
Comment: This variant is considered benign. This variant is a silent/synonymous amino acid change and it is not expected to impact splicing.

All of Us Research Program, National Institutes of Health
Classification: Likely benign for Tuberous sclerosis syndrome. Last evaluated: 2023-11-30. Review status: criteria provided, single submitter. Criteria: ACMG Guidelines, 2015. Collection method: clinical testing. Allele origin: germline. Inheritance: Autosomal dominant inheritance. Observed: 4 variant alleles, 4 heterozygotes.
Comment: This study involves interpretation of variants in research participants for the purpose of population health screening. Participant phenotype was not available at the time of variant classification. Additional details can be found in publication PMID: 35346344, PMCID: PMC8962531

CeGaT Center for Human Genetics Tuebingen
Classification: Likely benign. Last evaluated: 2023-11-01. Review status: criteria provided, single submitter. Criteria: CeGaT Center For Human Genetics Tuebingen Variant Classification Criteria Version 2. Collection method: clinical testing. Allele origin: germline. Affected: yes. Observed: 1 variant allele.
Comment: TSC2: BP4, BP7

Color Diagnostics, LLC DBA Color Health
Classification: Likely benign for Tuberous sclerosis syndrome. Last evaluated: 2022-11-06. Review status: criteria provided, single submitter. Criteria: ACMG Guidelines, 2015. Collection method: clinical testing. Allele origin: germline.

Genome-Nilou Lab
Classification: Benign for Tuberous sclerosis 2. Last evaluated: 2021-11-07. Review status: criteria provided, single submitter. Criteria: ACMG Guidelines, 2015. Collection method: clinical testing. Allele origin: germline. Affected: no.

GeneDx
Classification: Likely benign. Last evaluated: 2020-11-12. Review status: criteria provided, single submitter. Criteria: GeneDx Variant Classification Process June 2021. Collection method: clinical testing. Allele origin: germline. Affected: yes.
Comment: This variant is associated with the following publications: (PMID: 9302281)

Ambry Genetics
Classification: Likely benign for Hereditary cancer-predisposing syndrome. Last evaluated: 2019-08-14. Review status: criteria provided, single submitter. Criteria: Ambry Variant Classification Scheme 2023. Collection method: clinical testing. Allele origin: germline.